The following is an entry in ClinVar:

ClinVar aggregate classification (germline): Pathogenic (1 of 4 stars; one submission).

Submission:

Labcorp Genetics (formerly Invitae), Labcorp
Classification: Pathogenic. Last evaluated: 2022-07-25. Review status: criteria provided, single submitter. Criteria: Invitae Variant Classification Sherloc (09022015). Collection method: clinical testing. Allele origin: germline.
Comment: ClinVar contains an entry for this variant (Variation ID: 1426114). This variant has not been reported in the literature in individuals affected with LAMC3-related conditions. This variant is not present in population databases (gnomAD no frequency). This sequence change creates a premature translational stop signal (p.Leu1318Argfs*13) in the LAMC3 gene. It is expected to result in an absent or disrupted protein product. Loss-of-function variants in LAMC3 are known to be pathogenic (PMID: 21572413, 26802095). Algorithms developed to predict the effect of sequence changes on RNA splicing suggest that this variant may disrupt the consensus splice site. For these reasons, this variant has been classified as Pathogenic.

Literature cited by the submitters: PubMed 21572413; PubMed 26802095.

NM_006059.4(LAMC3):c.3953del (p.Leu1318fs)

Gene: LAMC3 (laminin subunit gamma 3; plus strand). Cytogenetic location: 9q34.12.
Variant type: Deletion.
Coding change: c.3953del on transcript NM_006059.4 (MANE Select); coding-DNA position 3953, one base deleted (T; older notation c.3953delT).
Protein change: p.Leu1318fs; shifts the reading frame from leucine 1318.
Molecular consequence: frameshift variant.
Genome position (GRCh38, 1-based): chr9:131,082,084, T deleted. VCF-style (leftmost placement, unchanged base first): chr9-131082083-CT-C. GRCh37 (hg19) VCF-style: chr9-133957470-CT-C.
Other names: short protein forms L1318fs.
Identifiers: ClinVar variation 1426114 (VCV001426114.6), dbSNP rs2133344366, ClinGen allele CA2573144104.